The following is an entry in ClinVar:

ClinVar aggregate classification (germline): Uncertain significance (1 of 4 stars; one submission).

Conditions:
Leber congenital amaurosis 6 (LCA6). Identifiers: Orphanet 65, MedGen C1854260, MONDO:0013446, OMIM 613826.
Cone-rod dystrophy 13 (CORD13). Identifiers: Orphanet 1872, MedGen C2750720, MONDO:0011987, OMIM 608194.

Allele frequency attached by ClinVar (database versions not stated): gnomAD exomes below 0.00001 and 0.00001; ExAC 0.00001; gnomAD 0.00001; 1000 Genomes Project 30x 0.00016; 1000 Genomes Project 0.00020.
gnomAD v4.1: 17 of 1,614,042 alleles (0.0011%); highest among the groups gnomAD compares: South Asian, 0.015%; 1 homozygote.

Submission:

Labcorp Genetics (formerly Invitae), Labcorp
Classification: Uncertain significance for Leber congenital amaurosis 6; Cone-rod dystrophy 13. Last evaluated: 2022-02-24. Review status: criteria provided, single submitter. Criteria: Invitae Variant Classification Sherloc (09022015). Collection method: clinical testing. Allele origin: germline.
Comment: This sequence change replaces leucine, which is neutral and non-polar, with glutamine, which is neutral and polar, at codon 607 of the RPGRIP1 protein (p.Leu607Gln). This variant is present in population databases (rs576270075, gnomAD 0.003%). This variant has not been reported in the literature in individuals affected with RPGRIP1-related conditions. Algorithms developed to predict the effect of missense changes on protein structure and function (SIFT, PolyPhen-2, Align-GVGD) all suggest that this variant is likely to be tolerated. In summary, the available evidence is currently insufficient to determine the role of this variant in disease. Therefore, it has been classified as a Variant of Uncertain Significance.

NM_020366.4(RPGRIP1):c.1820T>A (p.Leu607Gln)

Gene: RPGRIP1 (RPGR interacting protein 1; plus strand). Cytogenetic location: 14q11.2.
Variant type: single nucleotide variant.
Coding change: c.1820T>A on transcript NM_020366.4 (MANE Select); coding-DNA position 1820, T replaced by A.
Protein change: p.Leu607Gln; replaces leucine 607 with glutamine.
Molecular consequence: missense variant. On other transcripts: intron variant (3).
Genome position (GRCh38, 1-based): chr14:21,324,675, T>A. VCF-style: chr14-21324675-T-A. GRCh37 (hg19) VCF-style: chr14-21792834-T-A.
Other names: c.746T>A, p.Leu249Gln (NM_001377948.1, NM_001377949.1); c.688+2671T>A (NM_001377523.1, NM_001377950.1); c.190+2671T>A (NM_001377951.1); short protein forms L249Q, L607Q.
Identifiers: ClinVar variation 1405197 (VCV001405197.5), dbSNP rs576270075, ClinGen allele CA7089104.
Genomic context (GRCh38, chr14:21,324,675, plus strand): 5'-TAGAACAGCTCAAAGATGTTGCTTATGGCACCCGACCGTTGTCGTTATGTTTGGAAACAC[T>A]GCCAGCCCATGGAGATGAGGATAAAGTGGATATTTCTCTGCTGCATCAGGGTGAGAATCT-3'
Protein context (NP_065099.3, residues 597-617): TRPLSLCLET[Leu607Gln]PAHGDEDKVD